The following is an entry in ClinVar:

NM_000477.7(ALB):c.1058T>C (p.Met353Thr)

Gene: ALB (albumin; plus strand). Cytogenetic location: 4q13.3.
Variant type: single nucleotide variant.
Coding change: c.1058T>C on transcript NM_000477.7 (MANE Select); coding-DNA position 1058, T replaced by C.
Protein change: p.Met353Thr; replaces methionine 353 with threonine.
Molecular consequence: missense variant.
Genome position (GRCh38, 1-based): chr4:73,413,634, T>C. VCF-style: chr4-73413634-T-C. GRCh37 (hg19) VCF-style: chr4-74279351-T-C.
Other names: short protein forms M353T.
Identifiers: ClinVar variation 3043567 (VCV003043567.4), dbSNP rs79568748, ClinGen allele CA2959521.

ClinVar aggregate classification (germline): Likely benign. Review status: criteria provided, single submitter (1 of 4 stars). 2 submissions from 2 submitters: Likely benign (1). 1 of the submissions does not count toward it. Last evaluated 2024-09-23.

Conditions:
ALB-related disorder. Also called: ALB-related condition.

Allele frequency attached by ClinVar (database versions not stated): ExAC 0.00043; gnomAD 0.00100; TOPMed 0.00110; ESP Exome Variant Server 0.00131; 1000 Genomes Project 0.00160; 1000 Genomes Project 30x 0.00172.
gnomAD v4.1: 289 of 1,613,882 alleles (0.018%); highest among the groups gnomAD compares: African/African-American, 0.36%; 1 homozygote.

Submissions (2):

Labcorp Genetics (formerly Invitae), Labcorp
Classification: Likely benign. Last evaluated: 2024-09-23. Review status: criteria provided, single submitter. Criteria: Invitae Variant Classification Sherloc (09022015). Collection method: clinical testing. Allele origin: germline.

PreventionGenetics, part of Exact Sciences
Classification: Likely benign for ALB-related condition. Last evaluated: 2022-04-06. Review status: no assertion criteria provided. Collection method: clinical testing. Allele origin: germline. Not counted in ClinVar's aggregate classification.
Comment: This variant is classified as likely benign based on ACMG/AMP sequence variant interpretation guidelines (Richards et al. 2015 PMID: 25741868, with internal and published modifications).